The following is an entry in ClinVar:

NM_004444.5(EPHB4):c.2239C>G (p.Leu747Val)

Gene: EPHB4 (EPH receptor B4; minus strand). Cytogenetic location: 7q22.1.
Variant type: single nucleotide variant.
Coding change: c.2239C>G on transcript NM_004444.5 (MANE Select); coding-DNA position 2239, C replaced by G.
Protein change: p.Leu747Val; replaces leucine 747 with valine.
Molecular consequence: missense variant.
Genome position (GRCh38, 1-based): chr7:100,807,460, G>C on the plus strand (C>G on the coding strand, the complement: EPHB4 is on the minus strand). VCF-style: chr7-100807460-G-C. GRCh37 (hg19) VCF-style: chr7-100405082-G-C.
Other names: short protein forms L747V.
Identifiers: ClinVar variation 3509398 (VCV003509398.1).
Genomic context (GRCh38, chr7:100,807,460, plus strand): 5'-CCTCCAGGAATCGGGAAAGGCCAAAGTCAGACACTTTGCAGACGAGGTTGCTGTTGACTA[G>C]GATGTTGCGAGCAGCCAGGTCTCGGTGGACGTAGCTCATCTCGGCAAGGTACCGCATGCC-3'
Protein context (NP_004435.3, residues 737-757): VHRDLAARNI[Leu747Val]VNSNLVCKVS

ClinVar aggregate classification (germline): Uncertain significance (1 of 4 stars; one submission).

Conditions:
Cardiovascular phenotype. Identifiers: MedGen CN230736.

gnomAD v4.1: 5 of 1,613,962 alleles (0.00031%); highest among the groups gnomAD compares: Non-Finnish European, 0.00042%; no homozygotes.

Submission:

Ambry Genetics
Classification: Uncertain significance for Cardiovascular phenotype. Last evaluated: 2024-10-19. Review status: criteria provided, single submitter. Criteria: Ambry Variant Classification Scheme 2023. Collection method: clinical testing. Allele origin: germline.
Comment: The p.L747V variant (also known as c.2239C>G), located in coding exon 13 of the EPHB4 gene, results from a C to G substitution at nucleotide position 2239. The leucine at codon 747 is replaced by valine, an amino acid with highly similar properties. This amino acid position is conserved. In addition, this alteration is predicted to be deleterious by in silico analysis. Based on the available evidence, the clinical significance of this variant remains unclear.